The following is an entry in ClinVar:

ClinVar aggregate classification (germline): Uncertain significance (1 of 4 stars; one submission).

Conditions:
Ataxia-telangiectasia syndrome (AT). Also called: ATAXIA-TELANGIECTASIA, FRESNO VARIANT; Ataxia-telangiectasia, complementation group E; Ataxia telangiectasia (A-T); LOUIS-BAR SYNDROME; Ataxia-telangiectasia, complementation group D; AT, COMPLEMENTATION GROUP C. Identifiers: Orphanet 100, MedGen C0004135, MONDO:0008840, OMIM 208900.

Submission:

Labcorp Genetics (formerly Invitae), Labcorp
Classification: Uncertain significance for Ataxia-telangiectasia syndrome. Last evaluated: 2019-09-20. Review status: criteria provided, single submitter. Criteria: Invitae Variant Classification Sherloc (09022015). Collection method: clinical testing. Allele origin: germline.
Comment: This variant has not been reported in the literature in individuals with ATM-related conditions. In summary, the available evidence is currently insufficient to determine the role of this variant in disease. Therefore, it has been classified as a Variant of Uncertain Significance. Algorithms developed to predict the effect of sequence changes on RNA splicing suggest that this variant may create or strengthen a splice site, but this prediction has not been confirmed by published transcriptional studies. This variant is not present in population databases (ExAC no frequency). This sequence change falls in intron 14 of the ATM gene. It does not directly change the encoded amino acid sequence of the ATM protein, but it affects a nucleotide within the consensus splice site of the intron.

NM_000051.4(ATM):c.2251-1_2257dup

Gene: ATM (ATM serine/threonine kinase; plus strand). Cytogenetic location: 11q22.3.
Variant type: Duplication.
Coding change: c.2251-1_2257dup on transcript NM_000051.4 (MANE Select); the canonical splice acceptor site of the intron before coding-DNA position 2251 through coding-DNA position 2257, 8 bases duplicated (GTCTCTAA; older notation c.2251-1_2257dupGTCTCTAA).
Molecular consequence: splice acceptor variant.
Genome position (GRCh38, 1-based): chr11:108,257,480-108,257,487, GTCTCTAA duplicated; duplicating any 8 consecutive bases within chr11:108,257,479-108,257,487 gives the same sequence; the c. name uses the placement nearest the transcript's 3' end. VCF-style (leftmost placement, unchanged base first): chr11-108257478-T-TAGTCTCTA. GRCh37 (hg19) VCF-style: chr11-108128205-T-TAGTCTCTA.
Other names: c.2251-1_2257dup (NM_001351834.2).
Identifiers: ClinVar variation 966780 (VCV000966780.7), dbSNP rs2080573042, ClinGen allele CA1139662167.